The following is an entry in ClinVar:

ClinVar aggregate classification (germline): Pathogenic (1 of 4 stars; one submission).

Submission:

Labcorp Genetics (formerly Invitae), Labcorp
Classification: Pathogenic. Last evaluated: 2022-02-06. Review status: criteria provided, single submitter. Criteria: Invitae Variant Classification Sherloc (09022015). Collection method: clinical testing. Allele origin: germline.
Comment: This sequence change creates a premature translational stop signal (p.Leu1988*) in the ABCA12 gene. It is expected to result in an absent or disrupted protein product. Loss-of-function variants in ABCA12 are known to be pathogenic (PMID: 20672373). For these reasons, this variant has been classified as Pathogenic. This variant has not been reported in the literature in individuals affected with ABCA12-related conditions. This variant is not present in population databases (gnomAD no frequency).

Literature cited by the submitters: PubMed 20672373.

NM_173076.3(ABCA12):c.5963del (p.Ile1987_Leu1988insTer)

Genes: ABCA12 (ATP binding cassette subfamily A member 12; minus strand), SNHG31 (small nucleolar RNA host gene 31; plus strand). Cytogenetic location: 2q35.
Variant type: Deletion.
Coding change: c.5963del on transcript NM_173076.3 (MANE Select); coding-DNA position 5963, one base deleted (T; older notation c.5963delT).
Protein change: p.Ile1987_Leu1988insTer.
Molecular consequence: nonsense. On other transcripts: non-coding transcript variant (1).
Genome position (GRCh38, 1-based): chr2:214,958,431, A deleted on the plus strand (T on the coding strand, the reverse complement: ABCA12 is on the minus strand); the first of 4 consecutive A bases (chr2:214,958,431-214,958,434); deleting any one gives the same sequence. VCF-style (leftmost placement, unchanged base first): chr2-214958430-TA-T. GRCh37 (hg19) VCF-style: chr2-215823154-TA-T.
Other names: c.5009del, p.Ile1669_Leu1670insTer (NM_015657.4).
Identifiers: ClinVar variation 2094179 (VCV002094179.4), dbSNP rs2469169172, ClinGen allele CA2580065590.